The following is an entry in ClinVar:

ClinVar aggregate classification (germline): Uncertain significance. Review status: criteria provided, multiple submitters, no conflicts (2 of 4 stars). 2 submissions from 2 submitters: Uncertain significance (2). Last evaluated 2024-05-06.

Submissions (2):

Labcorp Genetics (formerly Invitae), Labcorp
Classification: Uncertain significance. Last evaluated: 2024-05-06. Review status: criteria provided, single submitter. Criteria: Invitae Variant Classification Sherloc (09022015). Collection method: clinical testing. Allele origin: germline.
Comment: This variant, c.39_44dup, results in the insertion of 2 amino acid(s) of the SLC27A5 protein (p.Leu16_Leu17dup), but otherwise preserves the integrity of the reading frame. This variant is present in population databases (no rsID available, gnomAD 0.01%). This variant has not been reported in the literature in individuals affected with SLC27A5-related conditions. In summary, the available evidence is currently insufficient to determine the role of this variant in disease. Therefore, it has been classified as a Variant of Uncertain Significance.

Eurofins Ntd Llc (ga)
Classification: Uncertain significance. Last evaluated: 2018-06-01. Review status: criteria provided, single submitter. Criteria: EGL ClinVar v180209 classification definitions. Collection method: clinical testing. Allele origin: germline. Observed: 1 variant allele, 1 heterozygote.

NM_012254.3(SLC27A5):c.27GCT[8] (p.Leu16_Leu17dup)

Gene: SLC27A5 (solute carrier family 27 member 5; minus strand). Cytogenetic location: 19q13.43.
Variant type: Microsatellite.
Coding change: c.27GCT[8] on transcript NM_012254.3 (MANE Select); eight copies in a row of the 3-base unit GCT starting at c.27; the reference has six copies in a row; two copies, 6 bases duplicated.
Protein change: p.Leu16_Leu17dup.
Molecular consequence: inframe insertion.
Genome position (GRCh38, 1-based): chr19:58,511,912-58,511,917, AGCAGC duplicated on the plus strand (GCTGCT on the coding strand, the reverse complement: SLC27A5 is on the minus strand); duplicating any 6 consecutive bases within chr19:58,511,912-58,511,930 gives the same sequence; the position shown is the placement nearest the transcript's 3' end. VCF-style (leftmost placement, unchanged base first): chr19-58511911-G-GAGCAGC. GRCh37 (hg19) VCF-style: chr19-59023278-G-GAGCAGC.
Other names: c.27GCT[8], p.Leu16_Leu17dup (NM_001321196.2).
Identifiers: ClinVar variation 597227 (VCV000597227.9), dbSNP rs760686310, ClinGen allele CA634324631.